The following is an entry in ClinVar:

NM_001159699.2(FHL1):c.881A>G (p.Lys294Arg)

Gene: FHL1 (four and a half LIM domains 1; plus strand). Cytogenetic location: Xq26.3.
Variant type: single nucleotide variant.
Coding change: c.881A>G on transcript NM_001159699.2 (MANE Select); coding-DNA position 881, A replaced by G.
Protein change: p.Lys294Arg; replaces lysine 294 with arginine.
Molecular consequence: missense variant. On other transcripts: 3 prime UTR variant (7), non-coding transcript variant (1).
Genome position (GRCh38, 1-based): chrX:136,210,015, A>G. VCF-style: chrX-136210015-A-G. GRCh37 (hg19) VCF-style: chrX-135292174-A-G.
Other names: c.833A>G, p.Lys278Arg (NM_001369329.1, NM_001369330.1, NM_001369331.1 and 4 more transcripts); c.*61A>G (NM_001440769.1, NM_001159702.3, NM_001159703.2 and 4 more transcripts); c.920A>G, p.Lys307Arg (NM_001159701.2); short protein forms K278R, K294R, K307R.
Identifiers: ClinVar variation 4614165 (VCV004614165.1).

ClinVar aggregate classification (germline): Uncertain significance (1 of 4 stars; one submission).

Conditions:
Cardiovascular phenotype. Identifiers: MedGen CN230736.

Submission:

Ambry Genetics
Classification: Uncertain significance for Cardiovascular phenotype. Last evaluated: 2025-09-17. Review status: criteria provided, single submitter. Criteria: Ambry Variant Classification Scheme 2023. Collection method: clinical testing. Allele origin: germline.
Comment: The p.K278R variant (also known as c.833A>G), located in coding exon 5 of the FHL1 gene, results from an A to G substitution at nucleotide position 833. The lysine at codon 278 is replaced by arginine, an amino acid with highly similar properties. This amino acid position is conserved. In addition, the in silico prediction for this alteration is inconclusive. Based on the available evidence, the clinical significance of this variant remains unclear.